The following is an entry in ClinVar:

NM_001365536.1(SCN9A):c.199C>T (p.Pro67Ser)

Gene: SCN9A (sodium voltage-gated channel alpha subunit 9; minus strand). Cytogenetic location: 2q24.3.
Variant type: single nucleotide variant.
Coding change: c.199C>T on transcript NM_001365536.1 (MANE Select); coding-DNA position 199, C replaced by T.
Protein change: p.Pro67Ser; replaces proline 67 with serine.
Molecular consequence: missense variant.
Genome position (GRCh38, 1-based): chr2:166,311,558, G>A on the plus strand (C>T on the coding strand, the complement: SCN9A is on the minus strand). VCF-style: chr2-166311558-G-A. GRCh37 (hg19) VCF-style: chr2-167168068-G-A.
Other names: c.199C>T, p.Pro67Ser (NM_002977.4); short protein forms P67S.
Identifiers: ClinVar variation 1062109 (VCV001062109.11), dbSNP rs1354932910, ClinGen allele CA349095890.

ClinVar aggregate classification (germline): Uncertain significance. Review status: criteria provided, multiple submitters, no conflicts (2 of 4 stars). 2 submissions from 2 submitters: Uncertain significance (2). Last evaluated 2025-08-30.

Conditions:
Neuropathy, hereditary sensory and autonomic, type 2A (HSAN2A). Also called: MORVAN DISEASE; NEUROPATHY, CONGENITAL SENSORY; NEUROPATHY, HEREDITARY SENSORY RADICULAR, AUTOSOMAL RECESSIVE; NEUROPATHY, HEREDITARY SENSORY, TYPE IIA; NEUROPATHY, PROGRESSIVE SENSORY, OF CHILDREN; ACROOSTEOLYSIS, GIACCAI TYPE. Identifiers: Orphanet 970, MedGen C2752089, MONDO:0024309, OMIM 201300.
Generalized epilepsy with febrile seizures plus, type 7 (GEFSP7). Also called: GEFS+, TYPE 7. Identifiers: Orphanet 36387, MedGen C2751778, MONDO:0013470, OMIM 613863.
Inborn genetic diseases. Identifiers: MedGen C0950123, MeSH D030342.

Allele frequency attached by ClinVar (database versions not stated): gnomAD exomes below 0.00001.
gnomAD v4.1: 2 of 1,612,960 alleles (0.00012%); highest among the groups gnomAD compares: Non-Finnish European, 0.00017%; no homozygotes.

Submissions (2):

Ambry Genetics
Classification: Uncertain significance for Inborn genetic diseases. Last evaluated: 2025-08-30. Review status: criteria provided, single submitter. Criteria: Ambry Variant Classification Scheme 2023. Collection method: clinical testing. Allele origin: germline.

Labcorp Genetics (formerly Invitae), Labcorp
Classification: Uncertain significance for Neuropathy, hereditary sensory and autonomic, type 2A; Generalized epilepsy with febrile seizures plus, type 7. Last evaluated: 2024-09-17. Review status: criteria provided, single submitter. Criteria: Invitae Variant Classification Sherloc (09022015). Collection method: clinical testing. Allele origin: germline.
Comment: This sequence change replaces proline, which is neutral and non-polar, with serine, which is neutral and polar, at codon 67 of the SCN9A protein (p.Pro67Ser). This variant is present in population databases (no rsID available, gnomAD no frequency). This variant has not been reported in the literature in individuals affected with SCN9A-related conditions. ClinVar contains an entry for this variant (Variation ID: 1062109). Invitae Evidence Modeling of protein sequence and biophysical properties (such as structural, functional, and spatial information, amino acid conservation, physicochemical variation, residue mobility, and thermodynamic stability) indicates that this missense variant is not expected to disrupt SCN9A protein function with a negative predictive value of 95%. In summary, the available evidence is currently insufficient to determine the role of this variant in disease. Therefore, it has been classified as a Variant of Uncertain Significance.